The following is an entry in ClinVar:

NM_004318.4(ASPH):c.1695C>A (p.Tyr565Ter)

Gene: ASPH (aspartate beta-hydroxylase; minus strand). Cytogenetic location: 8q12.3.
Variant type: single nucleotide variant.
Coding change: c.1695C>A on transcript NM_004318.4 (MANE Select); coding-DNA position 1695, C replaced by A.
Protein change: p.Tyr565Ter; replaces tyrosine 565 with a stop codon.
Molecular consequence: nonsense.
Genome position (GRCh38, 1-based): chr8:61,548,140, G>T on the plus strand (C>A on the coding strand, the complement: ASPH is on the minus strand). VCF-style: chr8-61548140-G-T. GRCh37 (hg19) VCF-style: chr8-62460699-G-T.
Other names: c.1608C>A, p.Tyr536Ter (NM_001164750.2); short protein forms Y536*, Y565*.
Identifiers: ClinVar variation 1184505 (VCV001184505.9), dbSNP rs781508063, ClinGen allele CA4761624.

ClinVar aggregate classification (germline): Pathogenic/Likely pathogenic. Review status: criteria provided, multiple submitters, no conflicts (2 of 4 stars). 4 submissions from 4 submitters: Pathogenic (1); Likely pathogenic (1). 2 of the submissions do not count toward it. Last evaluated 2021-11-19.

Conditions:
Facial dysmorphism-lens dislocation-anterior segment abnormalities-spontaneous filtering blebs syndrome. Also called: Facial dysmorphism, lens dislocation, anterior segment abnormalities, and spontaneous filtering blebs; TRABOULSI SYNDROME. Identifiers: Orphanet 412022, MedGen C1832167, MONDO:0011106, OMIM 601552.

Allele frequency attached by ClinVar (database versions not stated): TOPMed 0.00001.
gnomAD v4.1: 83 of 1,613,856 alleles (0.0051%); highest among the groups gnomAD compares: Non-Finnish European, 0.0066%; no homozygotes.

Submissions (4):

Women's Health and Genetics/Laboratory Corporation of America, LabCorp
Classification: Likely pathogenic for Facial dysmorphism-lens dislocation-anterior segment abnormalities-spontaneous filtering blebs syndrome. Last evaluated: 2021-11-19. Review status: criteria provided, single submitter. Criteria: LabCorp Variant Classification Summary - May 2015. Collection method: clinical testing. Allele origin: germline.
Comment: Variant summary: ASPH c.1695C>A (p.Tyr565X) results in a premature termination codon, predicted to cause a truncation of the encoded protein or absence of the protein due to nonsense mediated decay, which are commonly known mechanisms for disease. Truncations downstream of this position have not been classified as pathogenic by our laboratory but have been reported in the HGMD database in the context of Traboulsi syndrome. The variant allele was found at a frequency of 1.2e-05 in 251260 control chromosomes. c.1695C>A has been reported in the literature as a compound heterozygous genotype in at-least two siblings from one family affected with Facial Dysmorphism, Lens Dislocation, Anterior Segment Abnormalities, And Spontaneous Filtering Blebs (Traboulsi syndrome) (Kulkarni_2019). This report has been subsequently cited by others (example, Lei_2021). To our knowledge, no experimental evidence demonstrating an impact on protein function has been reported. Two clinical diagnostic laboratories have submitted clinical-significance assessments for this variant to ClinVar after 2014 without evidence for independent evaluation. All laboratories classified the variant as pathogenic/likely pathogenic. Based on the evidence outlined above, the variant was classified as likely pathogenic.

Randwick Genomics Laboratory, Prince of Wales Hospital Sydney, Australia, New South Wales Health Pathology
Classification: Pathogenic for Facial dysmorphism-lens dislocation-anterior segment abnormalities-spontaneous filtering blebs syndrome. Review status: criteria provided, single submitter. Criteria: ACMG Guidelines, 2015. Collection method: clinical testing. Allele origin: germline. Affected: yes.
Comment: PVS1, PM2, PM3_supporting

Multiple affected individuals, AR compound heterozygote

OMIM
Classification: Pathogenic for TRABOULSI SYNDROME. Last evaluated: 2024-01-26. Review status: no assertion criteria provided. Collection method: literature only. Allele origin: germline. Not counted in ClinVar's aggregate classification.

Genomics England Pilot Project, Genomics England
Classification: Likely pathogenic for Facial dysmorphism-lens dislocation-anterior segment abnormalities-spontaneous filtering blebs syndrome. Review status: no assertion criteria provided. Criteria: ACGS Guidelines, 2016. Collection method: clinical testing. Allele origin: germline. Affected: yes. Not counted in ClinVar's aggregate classification.

Literature cited by the submitters: PubMed 31274573 (cited by Women's Health and Genetics/Laboratory Corporation of America, LabCorp and OMIM); PubMed 33217155 (cited by Women's Health and Genetics/Laboratory Corporation of America, LabCorp).